The following is an entry in ClinVar:

ClinVar aggregate classification (germline): Uncertain significance. Review status: criteria provided, multiple submitters, no conflicts (2 of 4 stars). 2 submissions from 2 submitters: Uncertain significance (2). Last evaluated 2025-12-01.

gnomAD v4.1: 92 of 1,614,070 alleles (0.0057%); highest among the groups gnomAD compares: African/African-American, 0.052%; no homozygotes.

Submissions (3):

Women's Health and Genetics/Laboratory Corporation of America, LabCorp
Classification: Uncertain significance. Last evaluated: 2025-12-01. Review status: criteria provided, single submitter. Criteria: LabCorp Variant Classification Summary - May 2015. Collection method: clinical testing. Allele origin: germline.
Comment: Variant summary: VWF c.2695G>A (p.Gly899Ser) results in a non-conservative amino acid change in the encoded protein sequence. Algorithms developed to predict the effect of missense changes on protein structure and function are either unavailable or do not agree on the potential impact of this missense change. The variant allele was found at a frequency of 8.8e-05 in 251416 control chromosomes. This frequency is not significantly higher than estimated for disease-causing variants in VWF, allowing no conclusion about variant significance. To our knowledge, no occurrence of c.2695G>A in individuals affected with VWF-related conditions and no experimental evidence demonstrating its impact on protein function have been reported. The following publication has been ascertained in the context of this evaluation (PMID: 23216583). ClinVar contains an entry for this variant (Variation ID: 4387618). Based on the evidence outlined above, the variant was classified as uncertain significance.

Mayo Clinic Laboratories, Mayo Clinic
Classification: Uncertain significance. Last evaluated: 2025-01-27. Review status: criteria provided, single submitter. Criteria: ACMG Guidelines, 2015. Collection method: clinical testing. Allele origin: germline. Observed: 1 variant allele.
Comment: BP4

Dr. Peter K. Rogan Lab, Western University
No classification provided (evidence only). Condition: Hepatocellular carcinoma. Review status: no classification provided. Collection method: in vitro. Allele origin: not applicable. Functional consequence: retained intron. Not counted in ClinVar's aggregate classification.

Literature cited by the submitters: PubMed 23216583 (cited by Women's Health and Genetics/Laboratory Corporation of America, LabCorp).

NM_000552.5(VWF):c.2695G>A (p.Gly899Ser)

Gene: VWF (von Willebrand factor; minus strand). Cytogenetic location: 12p13.31.
Variant type: single nucleotide variant.
Coding change: c.2695G>A on transcript NM_000552.5 (MANE Select); coding-DNA position 2695, G replaced by A.
Protein change: p.Gly899Ser; replaces glycine 899 with serine.
Molecular consequence: missense variant.
Genome position (GRCh38, 1-based): chr12:6,031,569, C>T on the plus strand (G>A on the coding strand, the complement: VWF is on the minus strand). VCF-style: chr12-6031569-C-T. GRCh37 (hg19) VCF-style: chr12-6140735-C-T.
Other names: NC_000012.11:g.6140735C>T; p.Gly899Ser; c.2695G>A (NM_000552.4); short protein forms G899S.
Identifiers: ClinVar variation 4387618 (VCV004387618.3).
Genomic context (GRCh38, chr12:6,031,569, plus strand): 5'-CTGAGGGGTGGCTGCATCCCTTATTCCCCACTAGGATCCGAAAGGTCCCAGGGTTACTGC[C>T]GCAGTAATCCTGGGGAAAGAGGAGTGCCAGGAGAAGACCATTATCCCCACTGGCTCTCAC-3'
Protein context (NP_000543.3, residues 889-909): CQYVLVQDYC[Gly899Ser]SNPGTFRILV